The following is an entry in ClinVar:

NM_001845.6(COL4A1):c.2969G>T (p.Gly990Val)

Gene: COL4A1 (collagen type IV alpha 1 chain; minus strand). Cytogenetic location: 13q34.
Variant type: single nucleotide variant.
Coding change: c.2969G>T on transcript NM_001845.6 (MANE Select); coding-DNA position 2969, G replaced by T.
Protein change: p.Gly990Val; replaces glycine 990 with valine.
Molecular consequence: missense variant.
Genome position (GRCh38, 1-based): chr13:110,176,513, C>A on the plus strand (G>T on the coding strand, the complement: COL4A1 is on the minus strand). VCF-style: chr13-110176513-C-A. GRCh37 (hg19) VCF-style: chr13-110828860-C-A.
Other names: short protein forms G990V.
Identifiers: ClinVar variation 664363 (VCV000664363.8), dbSNP rs1594550371, ClinGen allele CA388666026.

ClinVar aggregate classification (germline): Likely pathogenic (1 of 4 stars; one submission).

Submission:

Labcorp Genetics (formerly Invitae), Labcorp
Classification: Likely pathogenic. Last evaluated: 2018-12-12. Review status: criteria provided, single submitter. Criteria: Invitae Variant Classification Sherloc (09022015). Collection method: clinical testing. Allele origin: germline.
Comment: In summary, this variant is a missense change affecting a residue that is known to be critical for normal protein structure, stability and function (PMID: 7695699, 8218237, 19344236). This type of missense change is also highly enriched in affected individuals and expected to be pathogenic (PMID: 10612821). However, without additional functional and/or genetic data, this variant has been classified as Likely Pathogenic. Glycine residues within the Gly-Xaa-Yaa repeats of the triple helix domain are required for the structure and stability of fibrillar collagens (PMID: 7695699, 8218237, 19344236). In COL4A1, missense variants at these glycine residues are significantly enriched in individuals with disease (PMID: 10612821) compared to the general population (ExAC). This variant has been observed in an individual with clinical features of COL4A1-related disease (PMID: 26120313). This variant is not present in population databases (ExAC no frequency). This sequence change replaces glycine with valine at codon 990 of the COL4A1 protein (p.Gly990Val). The glycine residue is highly conserved and there is a moderate physicochemical difference between glycine and valine.

Literature cited by the submitters: PubMed 7695699; PubMed 8218237; PubMed 19344236; PubMed 10612821; PubMed 26120313.